The following is an entry in ClinVar:

NM_016938.5(EFEMP2):c.1264T>C (p.Ser422Pro)

Genes: EFEMP2 (EGF-like fibulin extracellular matrix protein 2; minus strand), MUS81 (MUS81 structure-specific endonuclease subunit; plus strand). Cytogenetic location: 11q13.1.
Variant type: single nucleotide variant.
Coding change: c.1264T>C on transcript NM_016938.5 (MANE Select); coding-DNA position 1264, T replaced by C.
Protein change: p.Ser422Pro; replaces serine 422 with proline.
Molecular consequence: missense variant. On other transcripts: non-coding transcript variant (1).
Genome position (GRCh38, 1-based): chr11:65,866,986, A>G on the plus strand (T>C on the coding strand, the complement: EFEMP2 is on the minus strand). VCF-style: chr11-65866986-A-G. GRCh37 (hg19) VCF-style: chr11-65634457-A-G.
Other names: short protein forms S422P.
Identifiers: ClinVar variation 4086772 (VCV004086772.1).

ClinVar aggregate classification (germline): Uncertain significance (1 of 4 stars; one submission).

Submission:

GeneDx
Classification: Uncertain significance. Last evaluated: 2025-03-17. Review status: criteria provided, single submitter. Criteria: GeneDx Variant Classification Process June 2021. Collection method: clinical testing. Allele origin: germline. Affected: yes.
Comment: Not observed at significant frequency in large population cohorts (gnomAD); In silico analysis supports that this missense variant has a deleterious effect on protein structure/function; Has not been previously published as pathogenic or benign to our knowledge